The following is an entry in ClinVar:

NM_006939.4(SOS2):c.2269C>T (p.Pro757Ser)

Gene: SOS2 (SOS Ras/Rho guanine nucleotide exchange factor 2; minus strand). Cytogenetic location: 14q21.3.
Variant type: single nucleotide variant.
Coding change: c.2269C>T on transcript NM_006939.4 (MANE Select); coding-DNA position 2269, C replaced by T.
Protein change: p.Pro757Ser; replaces proline 757 with serine.
Molecular consequence: missense variant.
Genome position (GRCh38, 1-based): chr14:50,150,123, G>A on the plus strand (C>T on the coding strand, the complement: SOS2 is on the minus strand). VCF-style: chr14-50150123-G-A. GRCh37 (hg19) VCF-style: chr14-50616841-G-A.
Other names: short protein forms P757S.
Identifiers: ClinVar variation 1490730 (VCV001490730.6), dbSNP rs775139330, ClinGen allele CA7177079.

ClinVar aggregate classification (germline): Uncertain significance (1 of 4 stars; one submission).

Conditions:
Noonan syndrome 9 (NS9). Identifiers: Orphanet 648, MedGen C4225282, MONDO:0014691, OMIM 616559.

Allele frequency attached by ClinVar (database versions not stated): gnomAD 0.00001.
gnomAD v4.1: 2 of 1,612,868 alleles (0.00012%); highest among the groups gnomAD compares: African/African-American, 0.0027%; no homozygotes.

Submission:

Labcorp Genetics (formerly Invitae), Labcorp
Classification: Uncertain significance for Noonan syndrome 9. Last evaluated: 2024-06-15. Review status: criteria provided, single submitter. Criteria: Invitae Variant Classification Sherloc (09022015). Collection method: clinical testing. Allele origin: germline.
Comment: This sequence change replaces proline, which is neutral and non-polar, with serine, which is neutral and polar, at codon 757 of the SOS2 protein (p.Pro757Ser). This variant is present in population databases (rs775139330, gnomAD 0.007%). This variant has not been reported in the literature in individuals affected with SOS2-related conditions. ClinVar contains an entry for this variant (Variation ID: 1490730). Advanced modeling of protein sequence and biophysical properties (such as structural, functional, and spatial information, amino acid conservation, physicochemical variation, residue mobility, and thermodynamic stability) performed at Invitae indicates that this missense variant is expected to disrupt SOS2 protein function with a positive predictive value of 80%. In summary, the available evidence is currently insufficient to determine the role of this variant in disease. Therefore, it has been classified as a Variant of Uncertain Significance.